The following is an entry in ClinVar:

NM_006939.4(SOS2):c.536A>G (p.Asp179Gly)

Gene: SOS2 (SOS Ras/Rho guanine nucleotide exchange factor 2; minus strand). Cytogenetic location: 14q21.3.
Variant type: single nucleotide variant.
Coding change: c.536A>G on transcript NM_006939.4 (MANE Select); coding-DNA position 536, A replaced by G.
Protein change: p.Asp179Gly; replaces aspartic acid 179 with glycine.
Molecular consequence: missense variant.
Genome position (GRCh38, 1-based): chr14:50,188,675, T>C on the plus strand (A>G on the coding strand, the complement: SOS2 is on the minus strand). VCF-style: chr14-50188675-T-C. GRCh37 (hg19) VCF-style: chr14-50655393-T-C.
Other names: short protein forms D179G.
Identifiers: ClinVar variation 561737 (VCV000561737.3), dbSNP rs770997822, ClinGen allele CA7177507.

ClinVar aggregate classification (germline): Uncertain significance (1 of 4 stars; one submission).

Allele frequency attached by ClinVar (database versions not stated): ExAC 0.00001; gnomAD 0.00001 and 0.00003.
gnomAD v4.1: 2 of 1,603,720 alleles (0.00012%); highest among the groups gnomAD compares: Non-Finnish European, 0.00017%; no homozygotes.

Submission:

GeneDx
Classification: Uncertain significance. Last evaluated: 2023-06-12. Review status: criteria provided, single submitter. Criteria: GeneDx Variant Classification Process June 2021. Collection method: clinical testing. Allele origin: germline. Affected: yes.
Comment: In silico analysis supports that this missense variant has a deleterious effect on protein structure/function; Has not been previously published as pathogenic or benign to our knowledge